The following is an entry in ClinVar:

NM_006393.3(NEBL):c.2329C>T (p.Gln777Ter)

Gene: NEBL (nebulette; minus strand). Cytogenetic location: 10p12.31.
Variant type: single nucleotide variant.
Coding change: c.2329C>T on transcript NM_006393.3 (MANE Select); coding-DNA position 2329, C replaced by T.
Protein change: p.Gln777Ter; replaces glutamine 777 with a stop codon.
Molecular consequence: nonsense. On other transcripts: intron variant (9).
Genome position (GRCh38, 1-based): chr10:20,813,956, G>A on the plus strand (C>T on the coding strand, the complement: NEBL is on the minus strand). VCF-style: chr10-20813956-G-A. GRCh37 (hg19) VCF-style: chr10-21102885-G-A.
Other names: c.250-1016C>T (NM_001377326.1, NM_001377327.1, NM_001377328.1); c.358-1016C>T (NM_213569.2, NM_001173484.2, NM_001377322.1); c.301-1016C>T (NM_001377324.1); c.292-1016C>T (NM_001377325.1); c.310-1016C>T (NM_001377323.1); short protein forms Q777*.
Identifiers: ClinVar variation 229044 (VCV000229044.10), dbSNP rs752922937, ClinGen allele CA5432523.

ClinVar aggregate classification (germline): Uncertain significance. Review status: criteria provided, multiple submitters, no conflicts (2 of 4 stars). 2 submissions from 2 submitters: Uncertain significance (2). Last evaluated 2024-10-16.

Conditions:
Primary dilated cardiomyopathy (DCM). Also called: Dilated Cardiomyopathy. Identifiers: Orphanet 217604, MedGen C0007193, MeSH D002311, MONDO:0005021, HP:0001644. Inheritance: Various modes of inheritance.

Allele frequency attached by ClinVar (database versions not stated): gnomAD 0.00002; gnomAD exomes below 0.00001; ExAC 0.00001; TOPMed 0.00001.
gnomAD v4.1: 12 of 1,597,036 alleles (0.00075%); highest among the groups gnomAD compares: Non-Finnish European, 0.001%; no homozygotes.

Submissions (2):

Labcorp Genetics (formerly Invitae), Labcorp
Classification: Uncertain significance for Primary dilated cardiomyopathy. Last evaluated: 2024-10-16. Review status: criteria provided, single submitter. Criteria: Invitae Variant Classification Sherloc (09022015). Collection method: clinical testing. Allele origin: germline.
Comment: This sequence change creates a premature translational stop signal (p.Gln777*) in the NEBL gene. It is expected to result in an absent or disrupted protein product. However, the current clinical and genetic evidence is not sufficient to establish whether loss-of-function variants in NEBL cause disease. This variant is not present in population databases (gnomAD no frequency). This variant has not been reported in the literature in individuals affected with NEBL-related conditions. ClinVar contains an entry for this variant (Variation ID: 229044). Algorithms developed to predict the effect of sequence changes on RNA splicing suggest that this variant may disrupt the consensus splice site. In summary, the available evidence is currently insufficient to determine the role of this variant in disease. Therefore, it has been classified as a Variant of Uncertain Significance.

Laboratory for Molecular Medicine, Mass General Brigham Personalized Medicine
Classification: Uncertain significance. Last evaluated: 2015-03-12. Review status: criteria provided, single submitter. Criteria: LMM Criteria. Collection method: clinical testing. Allele origin: germline. Observed: 1 variant allele.
Comment: The p.Gln777X variant in NEBL has not been previously reported in individuals wi th cardiomyopathy, but has been identified in 1/66608 European chromosomes by th e Exome Aggregation Consortium (ExAC). This nons ense variant leads to a premature termination codon at position 777, which is pr edicted to lead to a truncated or absent protein. Missense variants in NEBL have been reported in individuals with DCM and endocardial fibroelastosis (Purevjav 2010); however, the impact of loss of function variants in this gene has not bee n fully elucidated. In summary, the clinical significance of the p.Gln777X varia nt is uncertain.